The following is an entry in ClinVar:

NM_001035.3(RYR2):c.8515-7A>T

Gene: RYR2 (ryanodine receptor 2; plus strand). Cytogenetic location: 1q43.
Variant type: single nucleotide variant.
Coding change: c.8515-7A>T on transcript NM_001035.3 (MANE Select); 7 bases into the intron before coding-DNA position 8515, A replaced by T.
Molecular consequence: intron variant.
Genome position (GRCh38, 1-based): chr1:237,667,876, A>T. VCF-style: chr1-237667876-A-T. GRCh37 (hg19) VCF-style: chr1-237831176-A-T.
Identifiers: ClinVar variation 3072310 (VCV003072310.1), dbSNP rs766622060, ClinGen allele CA2651207169.
Genomic context (GRCh38, chr1:237,667,876, plus strand): 5'-TATATATTAGAAAGCAATATTATCCTTTTTTACTTATTGAAACGATAAATATTTTTGTTC[A>T]TTTAAGGCTATGGCAGAAATGATGGCTGAAAACTACCATAATATATGGGCAAAGAAAAAG-3'

ClinVar aggregate classification (germline): Uncertain significance (1 of 4 stars; one submission).

Conditions:
Catecholaminergic polymorphic ventricular tachycardia (CVPT). Also called: Catecholamine-induced polymorphic ventricular tachycardia. Identifiers: Orphanet 3286, MedGen C5574922, MONDO:0017990.

Submission:

All of Us Research Program, National Institutes of Health
Classification: Uncertain significance for Catecholaminergic polymorphic ventricular tachycardia. Last evaluated: 2023-07-10. Review status: criteria provided, single submitter. Criteria: ACMG Guidelines, 2015. Collection method: clinical testing. Allele origin: germline. Inheritance: Autosomal dominant inheritance. Observed: 1 variant allele, 1 heterozygote.
Comment: This variant causes an A to T nucleotide substitution at the -7 position of intron 57 of the RYR2 gene. To our knowledge, functional studies have not been reported for this variant. This variant has not been reported in individuals affected with RYR2-related disorders in the literature. This variant has not been identified in the general population by the Genome Aggregation Database (gnomAD). The available evidence is insufficient to determine the role of this variant in disease conclusively. Therefore, this variant is classified as a Variant of Uncertain Significance.

This study involves interpretation of variants in research participants for the purpose of population health screening. Participant phenotype was not available at the time of variant classification. Additional details can be found in publication PMID: 35346344, PMCID: PMC8962531